The following is an entry in ClinVar:

NM_000051.4(ATM):c.6573-9G>A

Genes: ATM (ATM serine/threonine kinase; plus strand), C11orf65 (chromosome 11 open reading frame 65; minus strand). Cytogenetic location: 11q22.3.
Variant type: single nucleotide variant.
Coding change: c.6573-9G>A on transcript NM_000051.4 (MANE Select); 9 bases into the intron before coding-DNA position 6573, G replaced by A.
Molecular consequence: intron variant.
Genome position (GRCh38, 1-based): chr11:108,325,301, G>A. VCF-style: chr11-108325301-G-A. GRCh37 (hg19) VCF-style: chr11-108196028-G-A.
Other names: c.6573-9G>A (NM_001351834.2); c.641-16230C>T (NM_001330368.2); c.*38+9919C>T (NM_001351110.2).
Identifiers: ClinVar variation 642095 (VCV000642095.11), dbSNP rs1591128179, ClinGen allele CA915947665.

ClinVar aggregate classification (germline): Pathogenic/Likely pathogenic. Review status: criteria provided, multiple submitters, no conflicts (2 of 4 stars). 3 submissions from 3 submitters: Pathogenic (2); Likely pathogenic (1). Last evaluated 2024-01-30.

Conditions:
Hereditary cancer-predisposing syndrome. Also called: Tumor predisposition; Hereditary neoplastic syndrome; Neoplastic Syndromes, Hereditary; Hereditary Cancer Syndrome. Identifiers: Orphanet 140162, MedGen C0027672, MeSH D009386, MONDO:0015356.
Ataxia-telangiectasia syndrome (AT). Also called: Ataxia-telangiectasia, complementation group D; AT, COMPLEMENTATION GROUP C; ATAXIA-TELANGIECTASIA, COMPLEMENTATION GROUP A; ATAXIA-TELANGIECTASIA, FRESNO VARIANT; Ataxia-telangiectasia; LOUIS-BAR SYNDROME. Identifiers: Orphanet 100, MedGen C0004135, MONDO:0008840, OMIM 208900.
Familial cancer of breast. Also called: Hereditary breast cancer; BREAST CANCER, FAMILIAL; hereditary breast carcinoma. Identifiers: Orphanet 227535, MedGen C0346153, MONDO:0016419, OMIM 114480. Disease mechanism: loss of function.

gnomAD v4.1: 1 of 1,397,078 alleles (0.000072%); highest among the groups gnomAD compares: Non-Finnish European, 0.0001%; no homozygotes.

Submissions (3):

Myriad Genetics, Inc.
Classification: Likely pathogenic for Familial cancer of breast. Last evaluated: 2024-01-30. Review status: criteria provided, single submitter. Criteria: Myriad Autosomal Dominant, Autosomal Recessive and X-Linked Classification Criteria (2023). Collection method: clinical testing. Allele origin: unknown.
Comment: This variant is considered likely pathogenic. Functional studies indicate this variant impacts protein function [PMID: 9497252, 31050087]. This variant has been reported in multiple individuals with clinical features of gene-specific disease [PMID: 9497252, 16941484, 31050087].

Labcorp Genetics (formerly Invitae), Labcorp
Classification: Pathogenic for Ataxia-telangiectasia syndrome. Last evaluated: 2023-08-04. Review status: criteria provided, single submitter. Criteria: Invitae Variant Classification Sherloc (09022015). Collection method: clinical testing. Allele origin: germline.
Comment: This sequence change falls in intron 45 of the ATM gene. It does not directly change the encoded amino acid sequence of the ATM protein. RNA analysis indicates that this variant induces altered splicing and may result in an absent or disrupted protein product. This variant is not present in population databases (gnomAD no frequency). This variant has been observed in individual(s) with ataxia-telangiectasia (PMID: 9497252, 16941484, 31050087). In at least one individual the data is consistent with being in trans (on the opposite chromosome) from a pathogenic variant. It has also been observed to segregate with disease in related individuals. This variant is also known as 6572ins7 and IVS47-9G>A. ClinVar contains an entry for this variant (Variation ID: 642095). Algorithms developed to predict the effect of variants on protein structure and function are not available or were not evaluated for this variant. Experimental studies have shown that this variant affects ATM function (PMID: 31050087). Studies have shown that this variant results in activation of a cryptic splice site and introduces a premature termination codon (PMID: 31050087). The resulting mRNA is expected to undergo nonsense-mediated decay. For these reasons, this variant has been classified as Pathogenic.

Ambry Genetics
Classification: Pathogenic for Hereditary cancer-predisposing syndrome. Last evaluated: 2023-05-09. Review status: criteria provided, single submitter. Criteria: Ambry Variant Classification Scheme 2023. Collection method: clinical testing. Allele origin: germline.
Comment: The c.6573-9G>A intronic pathogenic mutation results from a G to A substitution 9 nucleotides upstream from coding exon 45 in the ATM gene. This nucleotide position is not well conserved in available vertebrate species. This alteration has been reported in multiple patients with ataxia-telangiectasia (A-T) in conjunction with different pathogenic ATM mutations (Gilad S. et al. Am J Hum Genet 1998 Mar;62(3):551-61; Cavalieri S. et al. Hum Mutat 2006 Oct;27(10):1061) as well as in a homozygous patient with classical A-T (Fi&eacute;vet A. et al. Hum Mutat 2019 10;40(10):1713-1730). In silico splice site analysis predicts that this alteration will weaken the native splice acceptor site and will result in the creation or strengthening of a novel splice acceptor site. RNA studies have demonstrated that this alteration results in abnormal splicing in the set of samples tested (Ambry internal data). Based on the supporting evidence, this alteration is interpreted as a disease-causing mutation.

Literature cited by the submitters: PubMed 9497252 (cited by Myriad Genetics, Inc. and Labcorp Genetics (formerly Invitae), Labcorp); PubMed 31050087 (cited by Myriad Genetics, Inc. and Labcorp Genetics (formerly Invitae), Labcorp); PubMed 16941484 (cited by Myriad Genetics, Inc. and Labcorp Genetics (formerly Invitae), Labcorp).